The following is an entry in ClinVar:

NM_013275.6(ANKRD11):c.1935G>A (p.Gln645=)

Gene: ANKRD11 (ankyrin repeat domain 11; minus strand). Cytogenetic location: 16q24.3.
Variant type: single nucleotide variant.
Coding change: c.1935G>A on transcript NM_013275.6 (MANE Select); coding-DNA position 1935, G replaced by A.
Protein change: p.Gln645=; no amino-acid change (glutamine 645 retained).
Molecular consequence: synonymous variant.
Genome position (GRCh38, 1-based): chr16:89,284,607, C>T on the plus strand (G>A on the coding strand, the complement: ANKRD11 is on the minus strand). VCF-style: chr16-89284607-C-T. GRCh37 (hg19) VCF-style: chr16-89351015-C-T.
Other names: c.1935G>A, p.Gln645= (NM_001256182.2, NM_001256183.2).
Identifiers: ClinVar variation 4534936 (VCV004534936.6).

ClinVar aggregate classification (germline): Likely benign (1 of 4 stars; one submission).

Submission:

CeGaT Center for Human Genetics Tuebingen
Classification: Likely benign. Last evaluated: 2025-10-01. Review status: criteria provided, single submitter. Criteria: CeGaT Center For Human Genetics Tuebingen Variant Classification Criteria Version 2. Collection method: clinical testing. Allele origin: germline. Affected: yes. Observed: 1 variant allele.
Comment: ANKRD11: PM2:Supporting, BP4, BP7